The following is an entry in ClinVar:

NM_001918.5(DBT):c.717_720delinsCAAACCTCCG (p.Leu240delinsLysProPro)

Gene: DBT (dihydrolipoamide branched chain transacylase E2; minus strand). Cytogenetic location: 1p21.2.
Variant type: Indel.
Coding change: c.717_720delinsCAAACCTCCG on transcript NM_001918.5 (MANE Select); coding-DNA positions 717 to 720, ACTA replaced by CAAACCTCCG.
Protein change: p.Leu240delinsLysProPro.
Molecular consequence: inframe indel. On other transcripts: non-coding transcript variant (3).
Genome position (GRCh38, 1-based): chr1:100,216,035-100,216,038, TAGT replaced by CGGAGGTTTG on the plus strand (ACTA replaced by CAAACCTCCG on the coding strand, the reverse complement: DBT is on the minus strand). VCF-style: chr1-100216035-TAGT-CGGAGGTTTG. GRCh37 (hg19) VCF-style: chr1-100681591-TAGT-CGGAGGTTTG.
Other names: c.174_177delinsCAAACCTCCG, p.Leu59delinsLysProPro (NM_001399969.1, NM_001399972.1).
Identifiers: ClinVar variation 1878366 (VCV001878366.1), dbSNP rs2524153764, ClinGen allele CA2580060687.

ClinVar aggregate classification (germline): Uncertain significance (1 of 4 stars; one submission).

Submission:

Women's Health and Genetics/Laboratory Corporation of America, LabCorp
Classification: Uncertain significance. Last evaluated: 2022-12-22. Review status: criteria provided, single submitter. Criteria: LabCorp Variant Classification Summary - May 2015. Collection method: clinical testing. Allele origin: germline.
Comment: Variant summary: DBT c.717_720delinsCAAACCTCCG (p.Leu240delinsLysProPro) results in an in-frame deletion-insertion that is predicted to delete one and insert three amino acids from the protein, and also cause changes in 1 amino acids. The variant was absent in 251456 control chromosomes (gnomAD). To our knowledge, no occurrence of c.717_720delins10 in individuals affected with Maple Syrup Urine Disease and no experimental evidence demonstrating its impact on protein function have been reported. No clinical diagnostic laboratories have submitted clinical-significance assessments for this variant to ClinVar after 2014. Based on the evidence outlined above, the variant was classified as uncertain significance.